The following is an entry in ClinVar:

ClinVar aggregate classification (germline): Uncertain significance (1 of 4 stars; one submission).

Conditions:
Evans syndrome, immunodeficiency, and premature immunosenescence associated with tripeptidyl-peptidase II deficiency. Identifiers: MedGen CN231723. Disease mechanism: loss of function.

Allele frequency attached by ClinVar (database versions not stated): gnomAD exomes below 0.00001.
gnomAD v4.1: 1 of 1,612,492 alleles (0.000062%); highest among the groups gnomAD compares: Non-Finnish European, 0.000085%; no homozygotes.

Submission:

Labcorp Genetics (formerly Invitae), Labcorp
Classification: Uncertain significance for Evans syndrome, immunodeficiency, and premature immunosenescence associated with tripeptidyl-peptidase II deficiency. Last evaluated: 2019-05-15. Review status: criteria provided, single submitter. Criteria: Invitae Variant Classification Sherloc (09022015). Collection method: clinical testing. Allele origin: germline.
Comment: In summary, the available evidence is currently insufficient to determine the role of this variant in disease. Therefore, it has been classified as a Variant of Uncertain Significance. Algorithms developed to predict the effect of missense changes on protein structure and function are either unavailable or do not agree on the potential impact of this missense change (SIFT: "Tolerated"; PolyPhen-2: "Possibly Damaging"; Align-GVGD: "Class C0"). This variant has not been reported in the literature in individuals with TPP2-related conditions. This variant is not present in population databases (ExAC no frequency). This sequence change replaces glutamic acid with glycine at codon 316 of the TPP2 protein (p.Glu316Gly). The glutamic acid residue is moderately conserved and there is a moderate physicochemical difference between glutamic acid and glycine.

NM_001330588.2(TPP2):c.947A>G (p.Glu316Gly)

Gene: TPP2 (tripeptidyl peptidase 2; plus strand). Cytogenetic location: 13q33.1.
Variant type: single nucleotide variant.
Coding change: c.947A>G on transcript NM_001330588.2 (MANE Select); coding-DNA position 947, A replaced by G.
Protein change: p.Glu316Gly; replaces glutamic acid 316 with glycine.
Molecular consequence: missense variant. On other transcripts: non-coding transcript variant (1).
Genome position (GRCh38, 1-based): chr13:102,627,855, A>G. VCF-style: chr13-102627855-A-G. GRCh37 (hg19) VCF-style: chr13-103280205-A-G.
Other names: c.947A>G, p.Glu316Gly (NM_001367947.1, NM_003291.4); short protein forms E316G.
Identifiers: ClinVar variation 947218 (VCV000947218.9), dbSNP rs1881749888, ClinGen allele CA388480615.
Genomic context (GRCh38, chr13:102,627,855, plus strand): 5'-TAATCTGTTTCTGTAAATTGCTGCCTAAACTAGAGTCTTAATCTCTTTAATAGATGATAG[A>G]AGTTATAAATCATAAGTGTGATCTTGTCAACTACAGTTACGGAGAAGCAACTCACTGGCC-3'
Protein context (NP_001317517.1, residues 306-326): TGTGLIRAMI[Glu316Gly]VINHKCDLVN